The following is an entry in ClinVar:

ClinVar aggregate classification (germline): Likely benign (1 of 4 stars; one submission).

Allele frequency attached by ClinVar (database versions not stated): gnomAD 0.00001; gnomAD exomes 0.00001; TOPMed 0.00001.
gnomAD v4.1: 5 of 1,613,370 alleles (0.00031%); highest among the groups gnomAD compares: Admixed American, 0.0033%; no homozygotes.

Submission:

CeGaT Center for Human Genetics Tuebingen
Classification: Likely benign. Last evaluated: 2022-11-01. Review status: criteria provided, single submitter. Criteria: CeGaT Center For Human Genetics Tuebingen Variant Classification Criteria Version 2. Collection method: clinical testing. Allele origin: germline. Affected: yes. Observed: 1 variant allele.
Comment: MAPK8IP3: BP4, BP7

NM_001318852.2(MAPK8IP3):c.3180G>A (p.Val1060=)

Gene: MAPK8IP3 (mitogen-activated protein kinase 8 interacting protein 3; plus strand). Cytogenetic location: 16p13.3.
Variant type: single nucleotide variant.
Coding change: c.3180G>A on transcript NM_001318852.2 (MANE Select); coding-DNA position 3180, G replaced by A.
Protein change: p.Val1060=; no amino-acid change (valine 1060 retained).
Molecular consequence: synonymous variant.
Genome position (GRCh38, 1-based): chr16:1,767,240, G>A. VCF-style: chr16-1767240-G-A. GRCh37 (hg19) VCF-style: chr16-1817241-G-A.
Other names: c.3159G>A, p.Val1053= (NM_001040439.2); c.3177G>A, p.Val1059= (NM_015133.5, NM_033392.3).
Identifiers: ClinVar variation 2645934 (VCV002645934.24), dbSNP rs776679589, ClinGen allele CA7817577.
Genomic context (GRCh38, chr16:1,767,240, plus strand): 5'-AATGGACCTGGGCCACCCGCACCACTCCATCCGCTGCATGGCTGTTGTGTACGACCGCGT[G>A]TGGTGTGGCTACAAGAACAAGGTGCACGTCATCCAGCCCAAGACCATGCAGATAGAGGCG-3'
Protein context (NP_001305781.1, residues 1050-1070): IRCMAVVYDR[Val1060=]WCGYKNKVHV